The following is an entry in ClinVar:

NM_005908.4(MANBA):c.1942C>A (p.Gln648Lys)

Gene: MANBA (mannosidase beta; minus strand). Cytogenetic location: 4q24.
Variant type: single nucleotide variant.
Coding change: c.1942C>A on transcript NM_005908.4 (MANE Select); coding-DNA position 1942, C replaced by A.
Protein change: p.Gln648Lys; replaces glutamine 648 with lysine.
Molecular consequence: missense variant.
Genome position (GRCh38, 1-based): chr4:102,639,785, G>T on the plus strand (C>A on the coding strand, the complement: MANBA is on the minus strand). VCF-style: chr4-102639785-G-T. GRCh37 (hg19) VCF-style: chr4-103560942-G-T.
Other names: short protein forms Q648K.
Identifiers: ClinVar variation 2186142 (VCV002186142.2), dbSNP rs755890886, ClinGen allele CA3026753.

ClinVar aggregate classification (germline): Uncertain significance (1 of 4 stars; one submission).

Conditions:
Beta-D-mannosidosis (MANSB). Also called: Beta-Mannosidosis; MANNOSIDOSIS, BETA A, LYSOSOMAL; BETA-MANNOSIDASE DEFICIENCY; LYSOSOMAL BETA-MANNOSIDASE DEFICIENCY. Identifiers: Orphanet 118, MedGen C4048196, MONDO:0009562, OMIM 248510.

Allele frequency attached by ClinVar (database versions not stated): ExAC 0.00003; gnomAD exomes 0.00001; gnomAD 0.00003; TOPMed 0.00004.
gnomAD v4.1: 16 of 1,613,952 alleles (0.00099%); highest among the groups gnomAD compares: Admixed American, 0.013%; no homozygotes.

Submission:

Labcorp Genetics (formerly Invitae), Labcorp
Classification: Uncertain significance for Beta-D-mannosidosis. Last evaluated: 2024-10-07. Review status: criteria provided, single submitter. Criteria: Invitae Variant Classification Sherloc (09022015). Collection method: clinical testing. Allele origin: germline.
Comment: This sequence change replaces glutamine, which is neutral and polar, with lysine, which is basic and polar, at codon 648 of the MANBA protein (p.Gln648Lys). This variant is present in population databases (rs755890886, gnomAD 0.009%). This variant has not been reported in the literature in individuals affected with MANBA-related conditions. ClinVar contains an entry for this variant (Variation ID: 2186142). An algorithm developed to predict the effect of missense changes on protein structure and function outputs the following: PolyPhen-2: "Benign". The lysine amino acid residue is found in multiple mammalian species, which suggests that this missense change does not adversely affect protein function. In summary, the available evidence is currently insufficient to determine the role of this variant in disease. Therefore, it has been classified as a Variant of Uncertain Significance.